The following is an entry in ClinVar:

ClinVar aggregate classification (germline): Likely pathogenic (1 of 4 stars; one submission).

Conditions:
Autosomal recessive polycystic kidney disease (ARPKD). Also called: AR polycystic kidney disease. Identifiers: Orphanet 731, Orphanet 8378, MedGen C0085548, MeSH D017044, MONDO:0009889.

Submission:

Labcorp Genetics (formerly Invitae), Labcorp
Classification: Likely pathogenic for Autosomal recessive polycystic kidney disease. Last evaluated: 2023-09-26. Review status: criteria provided, single submitter. Criteria: Invitae Variant Classification Sherloc (09022015). Collection method: clinical testing. Allele origin: germline.
Comment: In summary, the currently available evidence indicates that the variant is pathogenic, but additional data are needed to prove that conclusively. Therefore, this variant has been classified as Likely Pathogenic. This sequence change affects a donor splice site in intron 46 of the PKHD1 gene. It is expected to disrupt RNA splicing. Variants that disrupt the donor or acceptor splice site typically lead to a loss of protein function (PMID: 16199547), and loss-of-function variants in PKHD1 are known to be pathogenic (PMID: 19940839). This variant is not present in population databases (gnomAD no frequency). This variant has not been reported in the literature in individuals affected with PKHD1-related conditions. Algorithms developed to predict the effect of sequence changes on RNA splicing suggest that this variant may disrupt the consensus splice site.

Literature cited by the submitters: PubMed 16199547; PubMed 19940839.

NM_138694.4(PKHD1):c.7350+2T>A

Gene: PKHD1 (PKHD1 ciliary IPT domain containing fibrocystin/polyductin; minus strand). Cytogenetic location: 6p12.2.
Variant type: single nucleotide variant.
Coding change: c.7350+2T>A on transcript NM_138694.4 (MANE Select); the canonical splice donor site of the intron after coding-DNA position 7350, T replaced by A.
Molecular consequence: splice donor variant.
Genome position (GRCh38, 1-based): chr6:51,883,091, A>T on the plus strand (T>A on the coding strand, the complement: PKHD1 is on the minus strand). VCF-style: chr6-51883091-A-T. GRCh37 (hg19) VCF-style: chr6-51747889-A-T.
Other names: c.7350+2T>A (NM_170724.3).
Identifiers: ClinVar variation 2763474 (VCV002763474.3), dbSNP rs2536177478, ClinGen allele CA364421772.
Genomic context (GRCh38, chr6:51,883,091, plus strand): 5'-GGCCCAGCACATGTAATTTTGTTGTGATTGACAGCCTAAAACAACCACACTAAGGCACTT[A>T]CCTTGTGGGCAAAATGACCAAGTAATAAGCTGTCAGTAACTGAAGTATTTGCATCACTTT-3'